The following is an entry in ClinVar:

NM_000334.4(SCN4A):c.1517G>C (p.Cys506Ser)

Gene: SCN4A (sodium voltage-gated channel alpha subunit 4; minus strand). Cytogenetic location: 17q23.3.
Variant type: single nucleotide variant.
Coding change: c.1517G>C on transcript NM_000334.4 (MANE Select); coding-DNA position 1517, G replaced by C.
Protein change: p.Cys506Ser; replaces cysteine 506 with serine.
Molecular consequence: missense variant.
Genome position (GRCh38, 1-based): chr17:63,963,761, C>G on the plus strand (G>C on the coding strand, the complement: SCN4A is on the minus strand). VCF-style: chr17-63963761-C-G. GRCh37 (hg19) VCF-style: chr17-62041121-C-G.
Other names: short protein forms C506S.
Identifiers: ClinVar variation 2186534 (VCV002186534.4), dbSNP rs773527637, ClinGen allele CA8709825.

ClinVar aggregate classification (germline): Uncertain significance (1 of 4 stars; one submission).

Conditions:
Hyperkalemic periodic paralysis. Also called: Familial hyperkalemic periodic paralysis; Gamstorp disease. Identifiers: Orphanet 682, MedGen C0238357, MONDO:0008224, OMIM 170500, HP:0007215.

Allele frequency attached by ClinVar (database versions not stated): gnomAD exomes 0.00001.
gnomAD v4.1: 4 of 1,609,276 alleles (0.00025%); highest among the groups gnomAD compares: Non-Finnish European, 0.00034%; no homozygotes.

Submission:

Labcorp Genetics (formerly Invitae), Labcorp
Classification: Uncertain significance for Hyperkalemic periodic paralysis. Last evaluated: 2023-03-13. Review status: criteria provided, single submitter. Criteria: Invitae Variant Classification Sherloc (09022015). Collection method: clinical testing. Allele origin: germline.
Comment: This sequence change replaces cysteine, which is neutral and slightly polar, with serine, which is neutral and polar, at codon 506 of the SCN4A protein (p.Cys506Ser). This variant is present in population databases (rs773527637, gnomAD 0.0009%). This variant has not been reported in the literature in individuals affected with SCN4A-related conditions. ClinVar contains an entry for this variant (Variation ID: 2186534). Advanced modeling of protein sequence and biophysical properties (such as structural, functional, and spatial information, amino acid conservation, physicochemical variation, residue mobility, and thermodynamic stability) has been performed at Invitae for this missense variant, however the output from this modeling did not meet the statistical confidence thresholds required to predict the impact of this variant on SCN4A protein function. In summary, the available evidence is currently insufficient to determine the role of this variant in disease. Therefore, it has been classified as a Variant of Uncertain Significance.